The following is an entry in ClinVar:

NM_001323289.2(CDKL5):c.2378T>C (p.Val793Ala)

Gene: CDKL5 (cyclin dependent kinase like 5; plus strand). Cytogenetic location: Xp22.13.
Variant type: single nucleotide variant.
Coding change: c.2378T>C on transcript NM_001323289.2 (MANE Select); coding-DNA position 2378, T replaced by C.
Protein change: p.Val793Ala; replaces valine 793 with alanine.
Molecular consequence: missense variant.
Genome position (GRCh38, 1-based): chrX:18,625,129, T>C. VCF-style: chrX-18625129-T-C. GRCh37 (hg19) VCF-style: chrX-18643249-T-C.
Other names: NM_001323289.2(CDKL5):c.2378T>C; c.2378T>C, p.Val793Ala (NM_001037343.2, NM_003159.3); short protein forms V793A.
Identifiers: ClinVar variation 143803 (VCV000143803.4), dbSNP rs62643617, ClinGen allele CA170477.

ClinVar aggregate classification (germline): Uncertain significance. Review status: criteria provided, single submitter (1 of 4 stars). 2 submissions from 2 submitters: Uncertain significance (1). 1 of the submissions does not count toward it. Last evaluated 2024-09-16.

Conditions:
CDKL5 disorder. Identifiers: MedGen CN296942, MONDO:0100039.

Allele frequency attached by ClinVar (database versions not stated): gnomAD exomes 0.00001.
gnomAD v4.1: 11 of 1,207,907 alleles (0.00091%); highest among the groups gnomAD compares: Non-Finnish European, 0.0012%; no homozygotes.

Submissions (2):

Centre for Population Genomics, CPG
Classification: Uncertain significance for CDKL5 disorder. Last evaluated: 2024-09-16. Review status: criteria provided, single submitter. Criteria: McKnight et al. (Hum Mutat. 2022). Collection method: curation. Allele origin: germline. Inheritance: X-linked inheritance.
Comment: This variant has been collected from RettBASE and curated to current modified ACMG/AMP criteria. Based on the classification scheme defined by the ClinGen Rett/Angelman-like Expert Panel for Rett/AS-like Disorders Specifications to the ACMG/AMP Variant Interpretation Guidelines VCEP 3.0, this variant is classified as a variant of uncertain significance.

RettBASE
Classification: Uncertain significance. Last evaluated: 2014-03-13. Review status: no assertion criteria provided. Collection method: curation. Allele origin: unknown. Observed: 1 variant allele. Not counted in ClinVar's aggregate classification.
Comment: Not a conserved amino acid residue, sidechain effects likely to be conservative; no parental DNA available for testing; In silico prediction: SIFT = deleterious, MutationTaster = disease-causing, PolyPhen2 = possibly damaging, AlignGVGD = benign (C0)

Literature cited by the submitters: PubMed 16611748 (cited by RettBASE).